The following is an entry in ClinVar:

ClinVar aggregate classification (germline): Uncertain significance (1 of 4 stars; one submission).

Conditions:
Early-infantile DEE. Also called: Early infantile epileptic encephalopathy; Early infantile epileptic encephalopathy with suppression bursts; Ohtahara syndrome. Identifiers: Orphanet 1934, MedGen C0393706, MONDO:0800491.

Submission:

Labcorp Genetics (formerly Invitae), Labcorp
Classification: Uncertain significance for Early-infantile DEE. Last evaluated: 2019-06-25. Review status: criteria provided, single submitter. Criteria: Invitae Variant Classification Sherloc (09022015). Collection method: clinical testing. Allele origin: germline.
Comment: In summary, the available evidence is currently insufficient to determine the role of this variant in disease. Therefore, it has been classified as a Variant of Uncertain Significance. Algorithms developed to predict the effect of missense changes on protein structure and function are either unavailable or do not agree on the potential impact of this missense change (SIFT: "Deleterious"; PolyPhen-2: "Probably Damaging"; Align-GVGD: "Class C0"). This variant has not been reported in the literature in individuals with SCN8A-related disease. This variant is not present in population databases (ExAC no frequency). This sequence change replaces threonine with alanine at codon 1887 of the SCN8A protein (p.Thr1887Ala). The threonine residue is highly conserved and there is a small physicochemical difference between threonine and alanine.

NM_001330260.2(SCN8A):c.5659A>G (p.Thr1887Ala)

Gene: SCN8A (sodium voltage-gated channel alpha subunit 8; plus strand). Cytogenetic location: 12q13.13.
Variant type: single nucleotide variant.
Coding change: c.5659A>G on transcript NM_001330260.2 (MANE Select); coding-DNA position 5659, A replaced by G.
Protein change: p.Thr1887Ala; replaces threonine 1887 with alanine.
Molecular consequence: missense variant.
Genome position (GRCh38, 1-based): chr12:51,807,145, A>G. VCF-style: chr12-51807145-A-G. GRCh37 (hg19) VCF-style: chr12-52200929-A-G.
Other names: c.5536A>G, p.Thr1846Ala (NM_001177984.3, NM_001369788.1); c.5659A>G, p.Thr1887Ala (NM_014191.4); short protein forms T1887A, T1846A.
Identifiers: ClinVar variation 640559 (VCV000640559.11), dbSNP rs1592174975, ClinGen allele CA384888366.